The following is an entry in ClinVar:

NM_000138.5(FBN1):c.4825G>T (p.Glu1609Ter)

Gene: FBN1 (fibrillin 1; minus strand). Cytogenetic location: 15q21.1.
Variant type: single nucleotide variant.
Coding change: c.4825G>T on transcript NM_000138.5 (MANE Select); coding-DNA position 4825, G replaced by T.
Protein change: p.Glu1609Ter; replaces glutamic acid 1609 with a stop codon.
Molecular consequence: nonsense.
Genome position (GRCh38, 1-based): chr15:48,465,685, C>A on the plus strand (G>T on the coding strand, the complement: FBN1 is on the minus strand). VCF-style: chr15-48465685-C-A. GRCh37 (hg19) VCF-style: chr15-48757882-C-A.
Other names: short protein forms E1609*.
Identifiers: ClinVar variation 1413187 (VCV001413187.6), dbSNP rs2141269766, ClinGen allele CA392351399.

ClinVar aggregate classification (germline): Pathogenic (1 of 4 stars; one submission).

Conditions:
Marfan syndrome (MFS). Also called: Marfan syndrome type 1; Marfan's syndrome; FBN1-Related Marfan Syndrome; MARFAN SYNDROME, TYPE I; Marfan syndrome, classic. Identifiers: Orphanet 284963, Orphanet 558, MedGen C0024796, MONDO:0007947, OMIM 154700.
Familial thoracic aortic aneurysm and aortic dissection (TAAD). Also called: Thoracic aortic aneurysms and dissections. Identifiers: Orphanet 91387, MedGen C4707243, MONDO:0019625.

Submission:

Labcorp Genetics (formerly Invitae), Labcorp
Classification: Pathogenic for Marfan syndrome; Familial thoracic aortic aneurysm and aortic dissection. Last evaluated: 2022-07-19. Review status: criteria provided, single submitter. Criteria: Invitae Variant Classification Sherloc (09022015). Collection method: clinical testing. Allele origin: germline.
Comment: This variant is not present in population databases (gnomAD no frequency). This variant has not been reported in the literature in individuals affected with FBN1-related conditions. ClinVar contains an entry for this variant (Variation ID: 1413187). For these reasons, this variant has been classified as Pathogenic. This sequence change creates a premature translational stop signal (p.Glu1609*) in the FBN1 gene. It is expected to result in an absent or disrupted protein product. Loss-of-function variants in FBN1 are known to be pathogenic (PMID: 17657824, 19293843).

Literature cited by the submitters: PubMed 17657824; PubMed 19293843.